The following is an entry in ClinVar:

NM_016006.6(ABHD5):c.221A>G (p.Asn74Ser)

Gene: ABHD5 (abhydrolase domain containing 5, lysophosphatidic acid acyltransferase; plus strand). Cytogenetic location: 3p21.33.
Variant type: single nucleotide variant.
Coding change: c.221A>G on transcript NM_016006.6 (MANE Select); coding-DNA position 221, A replaced by G.
Protein change: p.Asn74Ser; replaces asparagine 74 with serine.
Molecular consequence: missense variant. On other transcripts: non-coding transcript variant (1).
Genome position (GRCh38, 1-based): chr3:43,702,302, A>G. VCF-style: chr3-43702302-A-G. GRCh37 (hg19) VCF-style: chr3-43743794-A-G.
Other names: c.221A>G, p.Asn74Ser (NM_001355186.2, NM_001365650.1); c.98A>G, p.Asn33Ser (NM_001365649.1); short protein forms N33S, N74S.
Identifiers: ClinVar variation 1991905 (VCV001991905.1), dbSNP rs147218153, ClinGen allele CA2341302.

ClinVar aggregate classification (germline): Uncertain significance (1 of 4 stars; one submission).

Allele frequency attached by ClinVar (database versions not stated): gnomAD 0.00001; TOPMed 0.00002; gnomAD exomes 0.00003; ExAC 0.00004; ESP Exome Variant Server 0.00008; 1000 Genomes Project 30x 0.00016; 1000 Genomes Project 0.00020.
gnomAD v4.1: 37 of 1,606,884 alleles (0.0023%); highest among the groups gnomAD compares: South Asian, 0.0044%; no homozygotes.

Submission:

Labcorp Genetics (formerly Invitae), Labcorp
Classification: Uncertain significance. Last evaluated: 2022-02-06. Review status: criteria provided, single submitter. Criteria: Invitae Variant Classification Sherloc (09022015). Collection method: clinical testing. Allele origin: germline.
Comment: This sequence change replaces asparagine, which is neutral and polar, with serine, which is neutral and polar, at codon 74 of the ABHD5 protein (p.Asn74Ser). This variant is present in population databases (rs147218153, gnomAD 0.007%). This variant has not been reported in the literature in individuals affected with ABHD5-related conditions. Algorithms developed to predict the effect of missense changes on protein structure and function output the following: SIFT: "Tolerated"; PolyPhen-2: "Benign"; Align-GVGD: "Class C0". The serine amino acid residue is found in multiple mammalian species, which suggests that this missense change does not adversely affect protein function. Algorithms developed to predict the effect of sequence changes on RNA splicing suggest that this variant may create or strengthen a splice site. In summary, the available evidence is currently insufficient to determine the role of this variant in disease. Therefore, it has been classified as a Variant of Uncertain Significance.